The following is an entry in ClinVar:

ClinVar aggregate classification (germline): Uncertain significance (1 of 4 stars; one submission).

Allele frequency attached by ClinVar (database versions not stated): gnomAD 0.00001; TOPMed 0.00001; gnomAD exomes 0.00002.

Submission:

Labcorp Genetics (formerly Invitae), Labcorp
Classification: Uncertain significance. Last evaluated: 2022-09-19. Review status: criteria provided, single submitter. Criteria: Invitae Variant Classification Sherloc (09022015). Collection method: clinical testing. Allele origin: germline.
Comment: In summary, the available evidence is currently insufficient to determine the role of this variant in disease. Therefore, it has been classified as a Variant of Uncertain Significance. Experimental studies and prediction algorithms are not available or were not evaluated, and the functional significance of this variant is currently unknown. This variant has not been reported in the literature in individuals affected with IL12RB2-related conditions. This variant is not present in population databases (gnomAD no frequency). This sequence change creates a premature translational stop signal (p.Met550Ilefs*37) in the IL12RB2 gene. It is expected to result in an absent or disrupted protein product. However, the current clinical and genetic evidence is not sufficient to establish whether loss-of-function variants in IL12RB2 cause disease.

NM_001374259.2(IL12RB2):c.1649_1650insTG (p.Met550fs)

Gene: IL12RB2 (interleukin 12 receptor subunit beta 2; plus strand). Cytogenetic location: 1p31.3.
Variant type: Insertion.
Coding change: c.1649_1650insTG on transcript NM_001374259.2 (MANE Select); coding-DNA positions 1649 to 1650, TG inserted.
Protein change: p.Met550fs; shifts the reading frame from methionine 550.
Molecular consequence: frameshift variant. On other transcripts: non-coding transcript variant (1), intron variant (1).
Genome position: GRCh38 VCF-style: chr1-67372715-T-TTG. GRCh37 (hg19) VCF-style: chr1-67838398-T-TTG.
Other names: c.1649_1650insTG, p.Met550fs (NM_001258214.1, NM_001258216.1, NM_001319233.1 and 1 more transcripts); c.1459+4690_1459+4691insTG (NM_001258215.1); short protein forms M550fs.
Identifiers: ClinVar variation 1917076 (VCV001917076.5), dbSNP rs1663502080, ClinGen allele CA1173110240.